The following is an entry in ClinVar:

ClinVar aggregate classification (germline): Likely benign (1 of 4 stars; one submission).

Allele frequency attached by ClinVar (database versions not stated): 1000 Genomes Project 30x 0.00016; TOPMed 0.00017; 1000 Genomes Project 0.00020; gnomAD 0.00021; ExAC 0.00024.
gnomAD v4.1: 340 of 1,612,948 alleles (0.021%); highest among the groups gnomAD compares: East Asian, 0.054%; 1 homozygote.

Submission:

CeGaT Center for Human Genetics Tuebingen
Classification: Likely benign. Last evaluated: 2022-05-01. Review status: criteria provided, single submitter. Criteria: CeGaT Center For Human Genetics Tuebingen Variant Classification Criteria Version 2. Collection method: clinical testing. Allele origin: germline. Affected: yes. Observed: 1 variant allele.
Comment: DNAH17: BP4

NM_173628.4(DNAH17):c.1162G>A (p.Asp388Asn)

Gene: DNAH17 (dynein axonemal heavy chain 17; minus strand). Cytogenetic location: 17q25.3.
Variant type: single nucleotide variant.
Coding change: c.1162G>A on transcript NM_173628.4 (MANE Select); coding-DNA position 1162, G replaced by A.
Protein change: p.Asp388Asn; replaces aspartic acid 388 with asparagine.
Molecular consequence: missense variant.
Genome position (GRCh38, 1-based): chr17:78,569,410, C>T on the plus strand (G>A on the coding strand, the complement: DNAH17 is on the minus strand). VCF-style: chr17-78569410-C-T. GRCh37 (hg19) VCF-style: chr17-76565492-C-T.
Other names: short protein forms D388N.
Identifiers: ClinVar variation 2648378 (VCV002648378.24), dbSNP rs200825911, ClinGen allele CA8805308.